The following is an entry in ClinVar:

NM_000070.3(CAPN3):c.2115+2T>A

Gene: CAPN3 (calpain 3; plus strand). Cytogenetic location: 15q15.1.
Variant type: single nucleotide variant.
Coding change: c.2115+2T>A on transcript NM_000070.3 (MANE Select); the canonical splice donor site of the intron after coding-DNA position 2115, T replaced by A.
Molecular consequence: splice donor variant.
Genome position (GRCh38, 1-based): chr15:42,409,997, T>A. VCF-style: chr15-42409997-T-A. GRCh37 (hg19) VCF-style: chr15-42702195-T-A.
Other names: c.2097+2T>A (NM_024344.2); c.1839+2T>A (NM_173087.2); c.579+2T>A (NM_173088.2); c.120+2T>A (NM_173090.2, NM_173089.2).
Identifiers: ClinVar variation 5003706 (VCV005003706.1).

ClinVar aggregate classification (germline): Pathogenic (1 of 4 stars; one submission).

Conditions:
Autosomal recessive limb-girdle muscular dystrophy type 2A (LGMDR1). Also called: Muscular dystrophy, limb-girdle, type 2A, Amish; Limb-girdle muscular dystrophy, type 2A; Calpainopathy; LEYDEN-MOEBIUS MUSCULAR DYSTROPHY; MUSCULAR DYSTROPHY, PELVOFEMORAL. Identifiers: Orphanet 267, MedGen C1869123, MONDO:0009675, OMIM 253600. Disease mechanism: loss of function.

gnomAD v4.1: 1 of 1,611,710 alleles (0.000062%); highest among the groups gnomAD compares: Non-Finnish European, 0.000085%; no homozygotes.

Submission:

Myriad Genetics, Inc.
Classification: Pathogenic for Autosomal recessive limb-girdle muscular dystrophy type 2A. Last evaluated: 2026-02-02. Review status: criteria provided, single submitter. Criteria: Myriad Autosomal Dominant, Autosomal Recessive and X-Linked Classification Criteria (2023). Collection method: clinical testing. Allele origin: unknown.
Comment: NM_000070.2(CAPN3):c.2115+2T>A is a variant in a canonical splice site classified as pathogenic in the context of calpainopathy. c.2115+2T>A has been observed in a case with relevant disease (PMID: 31517061 and FERLINI_2018_(Presentation)). Relevant functional assessments of this variant are not available in the literature. c.2115+2T>A has not been observed in referenced population frequency databases. In summary, NM_000070.2(CAPN3):c.2115+2T>A is a variant in a canonical splice site that has been observed more frequently in cases with the relevant disease than in healthy populations. Please note: this variant was assessed in the context of healthy population screening.